The following is an entry in ClinVar:

NM_000135.4(FANCA):c.2912G>C (p.Gly971Ala)

Gene: FANCA (FA complementation group A; minus strand). Cytogenetic location: 16q24.3.
Variant type: single nucleotide variant.
Coding change: c.2912G>C on transcript NM_000135.4 (MANE Select); coding-DNA position 2912, G replaced by C.
Protein change: p.Gly971Ala; replaces glycine 971 with alanine.
Molecular consequence: missense variant.
Genome position (GRCh38, 1-based): chr16:89,758,646, C>G on the plus strand (G>C on the coding strand, the complement: FANCA is on the minus strand). VCF-style: chr16-89758646-C-G. GRCh37 (hg19) VCF-style: chr16-89825054-C-G.
Other names: c.2912G>C, p.Gly971Ala (NM_001286167.3); short protein forms G971A.
Identifiers: ClinVar variation 1992434 (VCV001992434.4), dbSNP rs1337053167, ClinGen allele CA397431321.

ClinVar aggregate classification (germline): Uncertain significance (1 of 4 stars; one submission).

Conditions:
Fanconi anemia (FA). Also called: Fanconi's anemia. Identifiers: Orphanet 84, MedGen C0015625, MeSH D005199, MONDO:0019391.

Submission:

Labcorp Genetics (formerly Invitae), Labcorp
Classification: Uncertain significance for Fanconi anemia. Last evaluated: 2022-10-23. Review status: criteria provided, single submitter. Criteria: Invitae Variant Classification Sherloc (09022015). Collection method: clinical testing. Allele origin: germline.
Comment: This sequence change replaces glycine, which is neutral and non-polar, with alanine, which is neutral and non-polar, at codon 971 of the FANCA protein (p.Gly971Ala). This variant is not present in population databases (gnomAD no frequency). This variant has not been reported in the literature in individuals affected with FANCA-related conditions. Advanced modeling of protein sequence and biophysical properties (such as structural, functional, and spatial information, amino acid conservation, physicochemical variation, residue mobility, and thermodynamic stability) performed at Invitae indicates that this missense variant is expected to disrupt FANCA protein function. In summary, the available evidence is currently insufficient to determine the role of this variant in disease. Therefore, it has been classified as a Variant of Uncertain Significance.